The following is an entry in ClinVar:

ClinVar aggregate classification (germline): Likely pathogenic (1 of 4 stars; one submission).

Submission:

Mayo Clinic Laboratories, Mayo Clinic
Classification: Likely pathogenic. Last evaluated: 2020-07-27. Review status: criteria provided, single submitter. Criteria: ACMG Guidelines, 2015. Collection method: clinical testing. Allele origin: germline. Observed: 1 variant allele.
Comment: PVS1_Strong, PM2

NM_000204.5(CFI):c.1650_1651del (p.Cys550fs)

Gene: CFI (complement factor I; minus strand). Cytogenetic location: 4q25.
Variant type: Microsatellite.
Coding change: c.1650_1651del on transcript NM_000204.5 (MANE Select); coding-DNA positions 1650 to 1651, 2 bases deleted (TG; older notation c.1650_1651delTG).
Protein change: p.Cys550fs; shifts the reading frame from cysteine 550.
Molecular consequence: frameshift variant. On other transcripts: non-coding transcript variant (3), intron variant (5).
Genome position (GRCh38, 1-based): chr4:109,740,994-109,740,995, CA deleted on the plus strand (TG on the coding strand, the reverse complement: CFI is on the minus strand); deleting any 2 consecutive bases within chr4:109,740,994-109,740,997 gives the same sequence; the c. name uses the placement nearest the transcript's 3' end. VCF-style (leftmost placement, unchanged base first): chr4-109740993-CCA-C. GRCh37 (hg19) VCF-style: chr4-110662149-CCA-C.
Other names: c.1674_1675del, p.Cys558fs (NM_001318057.2); c.1629_1630del, p.Cys543fs (NM_001331035.2); c.1593_1594del, p.Cys531fs (NM_001375283.1); c.1041_1042del, p.Cys347fs (NM_001375284.1); c.1513+1496_1513+1497del (NM_001375282.1, NM_001375280.1); c.1534+1496_1534+1497del (NM_001375281.1, NM_001375279.1); c.1558+1496_1558+1497del (NM_001375278.1); short protein forms C347fs, C531fs, C543fs, C550fs, C558fs.
Identifiers: ClinVar variation 1163253 (VCV001163253.5), dbSNP rs774728696, ClinGen allele CA3041846.